The following is an entry in ClinVar:

NM_000245.4(MET):c.874A>G (p.Met292Val)

Gene: MET (MET proto-oncogene, receptor tyrosine kinase; plus strand). Cytogenetic location: 7q31.2.
Variant type: single nucleotide variant.
Coding change: c.874A>G on transcript NM_000245.4 (MANE Select); coding-DNA position 874, A replaced by G.
Protein change: p.Met292Val; replaces methionine 292 with valine.
Molecular consequence: missense variant. On other transcripts: intron variant (1).
Genome position (GRCh38, 1-based): chr7:116,699,958, A>G. VCF-style: chr7-116699958-A-G. GRCh37 (hg19) VCF-style: chr7-116340012-A-G.
Other names: c.874A>G (NM_001127500.2, NM_001127500.1); c.874A>G, p.Met292Val (NM_001127500.3, NM_001324401.3); c.-91+27381A>G (NM_001324402.2); short protein forms M292V.
Identifiers: ClinVar variation 1003053 (VCV001003053.10), dbSNP rs1395827839, ClinGen allele CA368970042.
Genomic context (GRCh38, chr7:116,699,958, plus strand): 5'-CAGACTTTTCACACAAGAATAATCAGGTTCTGTTCCATAAACTCTGGATTGCATTCCTAC[A>G]TGGAAATGCCTCTGGAGTGTATTCTCACAGAAAAGAGAAAAAAGAGATCCACAAAGAAGG-3'
Protein context (NP_000236.2, residues 282-302): CSINSGLHSY[Met292Val]EMPLECILTE

ClinVar aggregate classification (germline): Uncertain significance. Review status: criteria provided, multiple submitters, no conflicts (2 of 4 stars). 3 submissions from 3 submitters: Uncertain significance (3). Last evaluated 2026-08-29.

Conditions:
Renal cell carcinoma. Identifiers: Orphanet 217071, MedGen C0007134, MeSH D002292, MONDO:0005086, HP:0005584.
Hereditary cancer-predisposing syndrome. Also called: Tumor predisposition; Hereditary Cancer Syndrome; Hereditary neoplastic syndrome; Neoplastic Syndromes, Hereditary. Identifiers: Orphanet 140162, MedGen C0027672, MeSH D009386, MONDO:0015356.

Allele frequency attached by ClinVar (database versions not stated): gnomAD exomes below 0.00001.
gnomAD v4.1: 1 of 1,614,048 alleles (0.000062%); highest among the groups gnomAD compares: South Asian, 0.0011%; no homozygotes.

Submissions (3):

Ambry Genetics
Classification: Uncertain significance for Hereditary cancer-predisposing syndrome. Last evaluated: 2026-08-29. Review status: criteria provided, single submitter. Criteria: Ambry Variant Classification Scheme 2023. Collection method: clinical testing. Allele origin: germline.
Comment: The p.M292V variant (also known as c.874A>G), located in coding exon 1 of the MET gene, results from an A to G substitution at nucleotide position 874. The methionine at codon 292 is replaced by valine, an amino acid with highly similar properties. This amino acid position is conserved. In addition, this alteration is predicted to be tolerated by in silico analysis. Based on the available evidence, the clinical significance of this variant remains unclear.

Labcorp Genetics (formerly Invitae), Labcorp
Classification: Uncertain significance for Renal cell carcinoma. Last evaluated: 2025-09-01. Review status: criteria provided, single submitter. Criteria: Invitae Variant Classification Sherloc (09022015). Collection method: clinical testing. Allele origin: germline.
Comment: This sequence change replaces methionine, which is neutral and non-polar, with valine, which is neutral and non-polar, at codon 292 of the MET protein (p.Met292Val). This variant is not present in population databases (gnomAD no frequency). This variant has not been reported in the literature in individuals affected with MET-related conditions. ClinVar contains an entry for this variant (Variation ID: 1003053). Invitae Evidence Modeling of protein sequence and biophysical properties (such as structural, functional, and spatial information, amino acid conservation, physicochemical variation, residue mobility, and thermodynamic stability) indicates that this missense variant is not expected to disrupt MET protein function with a negative predictive value of 80%. In summary, the available evidence is currently insufficient to determine the role of this variant in disease. Therefore, it has been classified as a Variant of Uncertain Significance.

Quest Diagnostics Nichols Institute San Juan Capistrano
Classification: Uncertain significance. Last evaluated: 2024-12-11. Review status: criteria provided, single submitter. Criteria: Quest Diagnostics criteria. Collection method: clinical testing. Allele origin: unknown.